The following is an entry in ClinVar:

ClinVar aggregate classification (germline): Uncertain significance (1 of 4 stars; one submission).

Conditions:
Bethlem myopathy 2 (BTHLM2). Identifiers: Orphanet 536516, Orphanet 610, MedGen C4225313, MONDO:0034022, OMIM 616471.

Submission:

MGZ Medical Genetics Center
Classification: Uncertain significance for Bethlem myopathy 2. Last evaluated: 2021-11-23. Review status: criteria provided, single submitter. Criteria: ACMG Guidelines, 2015. Collection method: clinical testing. Allele origin: germline. Affected: yes. Observed: 1 variant allele.
Comment: ACMG criteria applied: PVS1_MOD, PM2_SUP

NM_004370.6(COL12A1):c.9010+2T>C

Gene: COL12A1 (collagen type XII alpha 1 chain; minus strand). Cytogenetic location: 6q13.
Variant type: single nucleotide variant.
Coding change: c.9010+2T>C on transcript NM_004370.6 (MANE Select); the canonical splice donor site of the intron after coding-DNA position 9010, T replaced by C.
Molecular consequence: splice donor variant.
Genome position (GRCh38, 1-based): chr6:75,089,104, A>G on the plus strand (T>C on the coding strand, the complement: COL12A1 is on the minus strand). VCF-style: chr6-75089104-A-G. GRCh37 (hg19) VCF-style: chr6-75798820-A-G.
Other names: c.5518+2T>C (NM_080645.3).
Identifiers: ClinVar variation 1708979 (VCV001708979.2), dbSNP rs2533023759, ClinGen allele CA364733273.